The following is an entry in ClinVar:

NM_001353694.2(TIAM1):c.2860C>T (p.Pro954Ser)

Gene: TIAM1 (TIAM Rac1 associated GEF 1; minus strand). Cytogenetic location: 21q22.11.
Variant type: single nucleotide variant.
Coding change: c.2860C>T on transcript NM_001353694.2 (MANE Select); coding-DNA position 2860, C replaced by T.
Protein change: p.Pro954Ser; replaces proline 954 with serine.
Molecular consequence: missense variant.
Genome position (GRCh38, 1-based): chr21:31,182,448, G>A on the plus strand (C>T on the coding strand, the complement: TIAM1 is on the minus strand). VCF-style: chr21-31182448-G-A. GRCh37 (hg19) VCF-style: chr21-32554765-G-A.
Other names: c.2860C>T, p.Pro954Ser (NM_001353686.2, NM_001353688.1, NM_001353689.1 and 5 more transcripts); c.2785C>T, p.Pro929Ser (NM_001353687.2); short protein forms P929S, P954S.
Identifiers: ClinVar variation 2389597 (VCV002389597.27), dbSNP rs751660506, ClinGen allele CA9998033.

ClinVar aggregate classification (germline): Uncertain significance. Review status: criteria provided, multiple submitters, no conflicts (2 of 4 stars). 3 submissions from 3 submitters: Uncertain significance (3). Last evaluated 2026-02-15.

Allele frequency attached by ClinVar (database versions not stated): gnomAD 0.00004; gnomAD exomes 0.00004; TOPMed 0.00006; ExAC 0.00008.
gnomAD v4.1: 63 of 1,593,824 alleles (0.004%); highest among the groups gnomAD compares: Non-Finnish European, 0.0052%; no homozygotes.

Submissions (3):

GeneDx
Classification: Uncertain significance. Last evaluated: 2026-02-15. Review status: criteria provided, single submitter. Criteria: GeneDx Variant Classification Process June 2021. Collection method: clinical testing. Allele origin: germline.
Comment: In silico analysis suggests that this missense variant does not alter protein structure/function; Has not been previously published as pathogenic or benign to our knowledge

CeGaT Center for Human Genetics Tuebingen
Classification: Uncertain significance. Last evaluated: 2023-06-01. Review status: criteria provided, single submitter. Criteria: CeGaT Center For Human Genetics Tuebingen Variant Classification Criteria Version 2. Collection method: clinical testing. Allele origin: germline. Affected: yes. Observed: 1 variant allele.

Ambry Genetics
Classification: Uncertain significance. Last evaluated: 2021-08-12. Review status: criteria provided, single submitter. Criteria: Ambry Variant Classification Scheme 2023. Collection method: clinical testing. Allele origin: germline.